The following is an entry in ClinVar:

NM_017636.4(TRPM4):c.1826C>G (p.Ala609Gly)

Gene: TRPM4 (transient receptor potential cation channel subfamily M member 4; plus strand). Cytogenetic location: 19q13.33.
Variant type: single nucleotide variant.
Coding change: c.1826C>G on transcript NM_017636.4 (MANE Select); coding-DNA position 1826, C replaced by G.
Protein change: p.Ala609Gly; replaces alanine 609 with glycine.
Molecular consequence: missense variant.
Genome position (GRCh38, 1-based): chr19:49,188,723, C>G. VCF-style: chr19-49188723-C-G. GRCh37 (hg19) VCF-style: chr19-49691980-C-G.
Other names: c.1826C>G, p.Ala609Gly (NM_001195227.2); c.1481C>G, p.Ala494Gly (NM_001321281.2); c.218C>G, p.Ala73Gly (NM_001321282.2); c.1304C>G, p.Ala435Gly (NM_001321283.2); c.764C>G, p.Ala255Gly (NM_001321285.2); short protein forms A609G, A73G, A255G, A435G, A494G.
Identifiers: ClinVar variation 222853 (VCV000222853.9), dbSNP rs547541099, ClinGen allele CA070410.
Genomic context (GRCh38, chr19:49,188,723, plus strand): 5'-CTCTTGGGGCCTGTTTGCTGCTCCGGGTGATGGCACGCCTGGAGCCTGACGCTGAGGAGG[C>G]AGCACGGAGGAAAGACCTGGCGTTCAAGTTTGAGGGGATGGGCGTTGGTGCGTGGGGCAC-3'
Protein context (NP_060106.2, residues 599-619): MARLEPDAEE[Ala609Gly]ARRKDLAFKF

ClinVar aggregate classification (germline): Uncertain significance. Review status: criteria provided, multiple submitters, no conflicts (2 of 4 stars). 3 submissions from 3 submitters: Uncertain significance (3). Last evaluated 2023-11-21.

Conditions:
Cardiovascular phenotype. Identifiers: MedGen CN230736.
Progressive familial heart block type IB (PFHB1B). Identifiers: Orphanet 871, MedGen C1970298, MONDO:0011474, OMIM 604559.

Allele frequency attached by ClinVar (database versions not stated): gnomAD exomes 0.00001; ExAC 0.00002; gnomAD 0.00005 and 0.00006; TOPMed 0.00006; 1000 Genomes Project 30x 0.00016; 1000 Genomes Project 0.00020.
gnomAD v4.1: 21 of 1,614,208 alleles (0.0013%); highest among the groups gnomAD compares: African/African-American, 0.023%; no homozygotes.

Submissions (3):

Ambry Genetics
Classification: Uncertain significance for Cardiovascular phenotype. Last evaluated: 2023-11-21. Review status: criteria provided, single submitter. Criteria: Ambry Variant Classification Scheme 2023. Collection method: clinical testing. Allele origin: germline.
Comment: The p.A609G variant (also known as c.1826C>G), located in coding exon 13 of the TRPM4 gene, results from a C to G substitution at nucleotide position 1826. The alanine at codon 609 is replaced by glycine, an amino acid with similar properties. This amino acid position is not well conserved in available vertebrate species, and glycine is the reference amino acid in other vertebrate species. In addition, this alteration is predicted to be tolerated by in silico analysis. Since supporting evidence is limited at this time, the clinical significance of this alteration remains unclear.

Labcorp Genetics (formerly Invitae), Labcorp
Classification: Uncertain significance for Progressive familial heart block type IB. Last evaluated: 2022-11-21. Review status: criteria provided, single submitter. Criteria: Invitae Variant Classification Sherloc (09022015). Collection method: clinical testing. Allele origin: germline.
Comment: In summary, the available evidence is currently insufficient to determine the role of this variant in disease. Therefore, it has been classified as a Variant of Uncertain Significance. Algorithms developed to predict the effect of missense changes on protein structure and function output the following: SIFT: "Tolerated"; PolyPhen-2: "Benign"; Align-GVGD: "Class C0". The glycine amino acid residue is found in multiple mammalian species, which suggests that this missense change does not adversely affect protein function. ClinVar contains an entry for this variant (Variation ID: 222853). This variant has not been reported in the literature in individuals affected with TRPM4-related conditions. This variant is present in population databases (rs547541099, gnomAD 0.008%). This sequence change replaces alanine, which is neutral and non-polar, with glycine, which is neutral and non-polar, at codon 609 of the TRPM4 protein (p.Ala609Gly).

Blueprint Genetics
Classification: Uncertain significance. Last evaluated: 2021-09-02. Review status: criteria provided, single submitter. Criteria: ACMG Guidelines, 2015. Collection method: clinical testing. Allele origin: germline.